The following is an entry in ClinVar:

ClinVar aggregate classification (germline): Likely benign. Review status: criteria provided, multiple submitters, no conflicts (2 of 4 stars). 3 submissions from 3 submitters: Likely benign (3). Last evaluated 2024-09-30.

Conditions:
Hereditary cancer-predisposing syndrome. Also called: Neoplastic Syndromes, Hereditary; Hereditary neoplastic syndrome; Hereditary Cancer Syndrome; Tumor predisposition. Identifiers: Orphanet 140162, MedGen C0027672, MeSH D009386, MONDO:0015356.
Familial adenomatous polyposis 1 (FAP1). Also called: FAMILIAL ADENOMATOUS POLYPOSIS 1, ATTENUATED; POLYPOSIS, ADENOMATOUS INTESTINAL. Identifiers: MedGen C2713442, MONDO:0021056, OMIM 175100. Disease mechanism: loss of function.

Allele frequency attached by ClinVar (database versions not stated): ESP Exome Variant Server 0.00008.

Submissions (3):

Labcorp Genetics (formerly Invitae), Labcorp
Classification: Likely benign for Familial adenomatous polyposis 1. Last evaluated: 2024-09-30. Review status: criteria provided, single submitter. Criteria: Invitae Variant Classification Sherloc (09022015). Collection method: clinical testing. Allele origin: germline.

Myriad Genetics, Inc.
Classification: Likely benign for Familial adenomatous polyposis 1. Last evaluated: 2024-02-23. Review status: criteria provided, single submitter. Criteria: Myriad Autosomal Dominant, Autosomal Recessive and X-Linked Classification Criteria (2023). Collection method: clinical testing. Allele origin: unknown.
Comment: This variant is considered likely benign. This variant is intronic and is not expected to impact mRNA splicing.

Color Diagnostics, LLC DBA Color Health
Classification: Likely benign for Hereditary cancer-predisposing syndrome. Last evaluated: 2022-10-24. Review status: criteria provided, single submitter. Criteria: ACMG Guidelines, 2015. Collection method: clinical testing. Allele origin: germline.

NM_000038.6(APC):c.532-14A>G

Gene: APC (APC regulator of Wnt signaling pathway; plus strand). Cytogenetic location: 5q22.2.
Variant type: single nucleotide variant.
Coding change: c.532-14A>G on transcript NM_000038.6 (MANE Select); 14 bases into the intron before coding-DNA position 532, A replaced by G.
Molecular consequence: intron variant.
Genome position (GRCh38, 1-based): chr5:112,780,776, A>G. VCF-style: chr5-112780776-A-G. GRCh37 (hg19) VCF-style: chr5-112116473-A-G.
Other names: c.532-14A>G (NM_001354895.2, NM_001127510.3, NM_001354896.2 and 2 more transcripts); c.562-14A>G (NM_001354897.2, NM_001354902.2, NM_001127511.3); c.457-14A>G (NM_001354898.2, NM_001354904.2); c.-504-14A>G (NM_001354906.2); c.355-14A>G (NM_001354900.2, NM_001354901.2, NM_001354905.2).
Identifiers: ClinVar variation 1626231 (VCV001626231.9), dbSNP rs375254915, ClinGen allele CA041398.